The following is an entry in ClinVar:

NC_000016.9:g.(?_8839838)_(8900284_?)dup

Genes: ABAT (4-aminobutyrate aminotransferase; plus strand), PMM2 (phosphomannomutase 2; plus strand), TMEM186 (transmembrane protein 186; minus strand). Cytogenetic location: 16p13.2.
Variant type: Duplication.
Identifiers: ClinVar variation 2422846 (VCV002422846.3).

ClinVar aggregate classification (germline): Uncertain significance (1 of 4 stars; one submission).

Conditions:
PMM2-congenital disorder of glycosylation. Also called: PMM2-CDG; CDG Ia; JAEKEN SYNDROME; PHOSPHOMANNOMUTASE 2 DEFICIENCY; CARBOHYDRATE-DEFICIENT GLYCOPROTEIN SYNDROME, TYPE Ia; Congenital disorder of glycosylation, type Ia. Identifiers: Orphanet 79318, MedGen C0349653, MONDO:0008907, OMIM 212065.

Submission:

Labcorp Genetics (formerly Invitae), Labcorp
Classification: Uncertain significance for PMM2-congenital disorder of glycosylation. Last evaluated: 2022-08-16. Review status: criteria provided, single submitter. Criteria: Invitae Variant Classification Sherloc (09022015). Collection method: clinical testing. Allele origin: germline.
Comment: This variant results in a copy number gain of the genomic region encompassing exon(s) 1-4 of the PMM2 gene. This region includes the initiator codon of the gene. This copy number gain extends beyond the assayed region for this gene and therefore may encompass additional genes. As the precise location of this event is unknown, it may be in tandem or it may be located elsewhere in the genome. This variant has not been reported in the literature in individuals affected with PMM2-related conditions. In summary, the available evidence is currently insufficient to determine the role of this variant in disease. Therefore, it has been classified as a Variant of Uncertain Significance.